The following is an entry in ClinVar:

ClinVar aggregate classification (germline): Conflicting classifications of pathogenicity. Review status: criteria provided, conflicting classifications (1 of 4 stars). 6 submissions from 6 submitters: Uncertain significance (4); Benign (1). 1 of the submissions does not count toward it. Last evaluated 2026-01-21.

Conditions:
Nemaline myopathy 2 (NEM2). Also called: Nemaline myopathy 2, autosomal recessive. Identifiers: MedGen C1850569, MONDO:0009725, OMIM 256030.
Arthrogryposis multiplex congenita 6. Identifiers: MedGen C5543431, MONDO:0030281, OMIM 619334.

Allele frequency attached by ClinVar (database versions not stated): gnomAD exomes 0.00006; ExAC 0.00007; TOPMed 0.00007; gnomAD 0.00009 and 0.00010.
gnomAD v4.1: 96 of 1,613,822 alleles (0.0059%); highest among the groups gnomAD compares: East Asian, 0.025%; no homozygotes.

Submissions (6):

Labcorp Genetics (formerly Invitae), Labcorp
Classification: Benign for Nemaline myopathy 2. Last evaluated: 2026-01-21. Review status: criteria provided, single submitter. Criteria: Invitae Variant Classification Sherloc (09022015). Collection method: clinical testing. Allele origin: germline.

CeGaT Center for Human Genetics Tuebingen
Classification: Uncertain significance. Last evaluated: 2025-06-01. Review status: criteria provided, single submitter. Criteria: CeGaT Center For Human Genetics Tuebingen Variant Classification Criteria Version 2. Collection method: clinical testing. Allele origin: germline. Affected: yes. Observed: 1 variant allele.
Comment: NEB: PM2, BP4

Fulgent Genetics
Classification: Uncertain significance for Nemaline myopathy 2; Arthrogryposis multiplex congenita 6. Last evaluated: 2022-03-03. Review status: criteria provided, single submitter. Criteria: ACMG Guidelines, 2015. Collection method: clinical testing. Allele origin: unknown.

Revvity Omics, Revvity
Classification: Uncertain significance. Last evaluated: 2020-08-11. Review status: criteria provided, single submitter. Criteria: ACMG Guidelines, 2015. Collection method: clinical testing. Allele origin: germline.

Illumina Laboratory Services, Illumina
Classification: Uncertain significance for Nemaline myopathy 2. Last evaluated: 2018-01-13. Review status: criteria provided, single submitter. Criteria: ICSL Variant Classification Criteria 13 December 2019. Collection method: clinical testing. Allele origin: germline.

Natera, Inc.
Classification: Uncertain significance for Nemaline myopathy type 2. Last evaluated: 2020-09-16. Review status: no assertion criteria provided. Collection method: clinical testing. Allele origin: germline. Not counted in ClinVar's aggregate classification.

NM_001164508.2(NEB):c.17462G>A (p.Arg5821His)

Gene: NEB (nebulin; minus strand). Cytogenetic location: 2q23.3.
Variant type: single nucleotide variant.
Coding change: c.17462G>A on transcript NM_001164508.2 (MANE Select); coding-DNA position 17462, G replaced by A.
Protein change: p.Arg5821His; replaces arginine 5821 with histidine.
Molecular consequence: missense variant.
Genome position (GRCh38, 1-based): chr2:151,569,341, C>T on the plus strand (G>A on the coding strand, the complement: NEB is on the minus strand). VCF-style: chr2-151569341-C-T. GRCh37 (hg19) VCF-style: chr2-152425855-C-T.
Other names: c.17462G>A, p.Arg5821His (NM_001164507.2, NM_001271208.2); c.12359G>A, p.Arg4120His (NM_004543.5); short protein forms R4120H, R5821H.
Identifiers: ClinVar variation 331465 (VCV000331465.23), dbSNP rs773239926, ClinGen allele CA1908205.
Genomic context (GRCh38, chr2:151,569,341, plus strand): 5'-TCCGCGGCATGTTTGGCATGATTGACGGACACGGAGTCATTTGGCATCCACCCAATTCCA[C>T]GCAACCATTCCAAGTCAGCCTTGTAAACATTCTGTGAAAACAGGGCCAGAATGAGTTCAG-3'
Protein context (NP_001157980.2, residues 5811-5831): NVYKADLEWL[Arg5821His]GIGWMPNDSV